The following is an entry in ClinVar:

NM_003019.5(SFTPD):c.135T>C (p.Ser45=)

Gene: SFTPD (surfactant protein D; minus strand). Cytogenetic location: 10q22.3.
Variant type: single nucleotide variant.
Coding change: c.135T>C on transcript NM_003019.5 (MANE Select); coding-DNA position 135, T replaced by C.
Protein change: p.Ser45=; no amino-acid change (serine 45 retained).
Molecular consequence: synonymous variant.
Genome position (GRCh38, 1-based): chr10:79,946,525, A>G on the plus strand (T>C on the coding strand, the complement: SFTPD is on the minus strand). VCF-style: chr10-79946525-A-G. GRCh37 (hg19) VCF-style: chr10-81706281-A-G.
Identifiers: ClinVar variation 165218 (VCV000165218.6), dbSNP rs6413520, ClinGen allele CA177968.

ClinVar aggregate classification (germline): Benign. Review status: criteria provided, multiple submitters, no conflicts (2 of 4 stars). 2 submissions from 2 submitters: Benign (2). Last evaluated 2013-02-21.

Allele frequency attached by ClinVar (database versions not stated): gnomAD exomes 0.04616 and 0.06370; gnomAD 0.04930 and 0.04745; 1000 Genomes Project 0.02436; 1000 Genomes Project 30x 0.02483; ExAC 0.04539; TOPMed 0.04753; ESP Exome Variant Server 0.05059.

Submissions (2):

Laboratory for Molecular Medicine, Mass General Brigham Personalized Medicine
Classification: Benign. Last evaluated: 2013-02-21. Review status: criteria provided, single submitter. Criteria: LMM Criteria. Collection method: clinical testing. Allele origin: germline. Observed: 19 variant alleles.
Comment: Ser45Ser in exon 2 of SFTPD: This variant is not expected to have clinical signi ficance because it does not alter an amino acid residue and is not located withi n the splice consensus sequence. It has been identified in 6.8% (589/8600) of Eu ropean American chromosomes from a broad population by the NHLBI Exome Sequencin g Project (dbSNP rs6413520).

Breakthrough Genomics
Classification: Benign. Review status: criteria provided, single submitter. Criteria: ACMG Guidelines, 2015. Collection method: not provided. Allele origin: germline. Inheritance: Unknown mechanism. Affected: yes.